The following is an entry in ClinVar:

ClinVar aggregate classification (germline): Likely pathogenic (1 of 4 stars; one submission).

Submission:

Labcorp Genetics (formerly Invitae), Labcorp
Classification: Likely pathogenic. Last evaluated: 2023-11-27. Review status: criteria provided, single submitter. Criteria: Invitae Variant Classification Sherloc (09022015). Collection method: clinical testing. Allele origin: germline.
Comment: This sequence change affects an acceptor splice site in intron 10 of the PRPF3 gene. It is expected to disrupt RNA splicing. Variants that disrupt the donor or acceptor splice site typically lead to a loss of protein function (PMID: 16199547), and loss-of-function variants in PRPF3 are known to be pathogenic (PMID: 17932117, 21378395, 32531858, 35138024). This variant is not present in population databases (gnomAD no frequency). Disruption of this splice site has been observed in individual(s) with clinical features of retinitis pigmentosa (Invitae). ClinVar contains an entry for this variant (Variation ID: 848318). Algorithms developed to predict the effect of sequence changes on RNA splicing suggest that this variant may disrupt the consensus splice site. In summary, the currently available evidence indicates that the variant is pathogenic, but additional data are needed to prove that conclusively. Therefore, this variant has been classified as Likely Pathogenic.

Literature cited by the submitters: PubMed 16199547; PubMed 17932117; PubMed 21378395; PubMed 32531858; PubMed 35138024.

NM_004698.4(PRPF3):c.1427-2A>C

Gene: PRPF3 (pre-mRNA processing factor 3; plus strand). Cytogenetic location: 1q21.2.
Variant type: single nucleotide variant.
Coding change: c.1427-2A>C on transcript NM_004698.4 (MANE Select); the canonical splice acceptor site of the intron before coding-DNA position 1427, A replaced by C.
Molecular consequence: splice acceptor variant.
Genome position (GRCh38, 1-based): chr1:150,344,160, A>C. VCF-style: chr1-150344160-A-C. GRCh37 (hg19) VCF-style: chr1-150316636-A-C.
Other names: c.1022-2A>C (NM_001350529.1).
Identifiers: ClinVar variation 848318 (VCV000848318.12), dbSNP rs1658057278, ClinGen allele CA342281727.
Genomic context (GRCh38, chr1:150,344,160, plus strand): 5'-ACAAGTTACTCCAGCTGGAGAAGTGACTTCAAAGACTGATTGTTGTCCTCTCTTCACTGC[A>C]GTGAGAATTTCTAATTTGATGCGAGTATTAGGAACAGAAGCTGTTCAAGACCCCACGAAG-3'